The following is an entry in ClinVar:

NM_001267550.2(TTN):c.10047C>T (p.Thr3349=)

Gene: TTN (titin; minus strand). Cytogenetic location: 2q31.2.
Variant type: single nucleotide variant.
Coding change: c.10047C>T on transcript NM_001267550.2 (MANE Select); coding-DNA position 10047, C replaced by T.
Protein change: p.Thr3349=; no amino-acid change (threonine 3349 retained).
Molecular consequence: synonymous variant.
Genome position (GRCh38, 1-based): chr2:178,764,244, G>A on the plus strand (C>T on the coding strand, the complement: TTN is on the minus strand). VCF-style: chr2-178764244-G-A. GRCh37 (hg19) VCF-style: chr2-179628971-G-A.
Other names: c.10047C>T, p.Thr3349= (NM_133378.4, NM_001256850.1, NM_133379.5); c.9909C>T, p.Thr3303= (NM_003319.4, NM_133432.3, NM_133437.4).
Identifiers: ClinVar variation 918104 (VCV000918104.2), dbSNP rs2089949892, ClinGen allele CA430297171.

ClinVar aggregate classification (germline): Likely benign. Review status: criteria provided, multiple submitters, no conflicts (2 of 4 stars). 2 submissions from 2 submitters: Likely benign (2). Last evaluated 2025-06-15.

Conditions:
Autosomal recessive limb-girdle muscular dystrophy type 2J (LGMDR10). Also called: Limb-girdle muscular dystrophy, type 2J; MUSCULAR DYSTROPHY, LIMB-GIRDLE, AUTOSOMAL RECESSIVE 10. Identifiers: Orphanet 140922, MedGen C1837342, MONDO:0012127, OMIM 608807.
Dilated cardiomyopathy 1G (CMD1G). Identifiers: Orphanet 154, MedGen C1858763, MONDO:0011400, OMIM 604145.

Submissions (2):

Labcorp Genetics (formerly Invitae), Labcorp
Classification: Likely benign for Dilated cardiomyopathy 1G; Autosomal recessive limb-girdle muscular dystrophy type 2J. Last evaluated: 2025-06-15. Review status: criteria provided, single submitter. Criteria: Invitae Variant Classification Sherloc (09022015). Collection method: clinical testing. Allele origin: germline.

Women's Health and Genetics/Laboratory Corporation of America, LabCorp
Classification: Likely benign. Last evaluated: 2020-03-02. Review status: criteria provided, single submitter. Criteria: LabCorp Variant Classification Summary - May 2015. Collection method: clinical testing. Allele origin: germline.
Comment: Variant summary: TTN c.10047C>T alters a conserved nucleotide resulting in a synonymous change. 4/4 computational tools predict no significant impact on normal splicing. However, these predictions have yet to be confirmed by functional studies. The variant was absent in 251236 control chromosomes . The available data on variant occurrences in the general population are insufficient to allow any conclusion about variant significance. To our knowledge, no occurrence of c.10047C>T in individuals affected with Cardiomyopathy and no experimental evidence demonstrating its impact on protein function have been reported. No clinical diagnostic laboratories have submitted clinical-significance assessments for this variant to ClinVar after 2014. Based on the evidence outlined above, the variant was classified as likely benign.